The following is an entry in ClinVar:

ClinVar aggregate classification (germline): Pathogenic (1 of 4 stars; one submission).

Conditions:
Hereditary cancer-predisposing syndrome. Also called: Neoplastic Syndromes, Hereditary; Tumor predisposition; Hereditary neoplastic syndrome; Hereditary Cancer Syndrome. Identifiers: Orphanet 140162, MedGen C0027672, MeSH D009386, MONDO:0015356.
Cardiovascular phenotype. Identifiers: MedGen CN230736.

Submission:

Ambry Genetics
Classification: Pathogenic for Cardiovascular phenotype; Hereditary cancer-predisposing syndrome. Last evaluated: 2022-12-13. Review status: criteria provided, single submitter. Criteria: Ambry Variant Classification Scheme 2023. Collection method: clinical testing. Allele origin: germline.
Comment: The c.5453dupT pathogenic mutation, located in coding exon 37 of the NF1 gene, results from a duplication of T at nucleotide position 5453, causing a translational frameshift with a predicted alternate stop codon (p.Q1820Pfs*21). This alteration has been observed in at least one individual with a diagnosis of neurofibromatosis type 1 and a GIST (Ambry internal data). This variant is considered to be rare based on population cohorts in the Genome Aggregation Database (gnomAD). This alteration is expected to result in loss of function by premature protein truncation or nonsense-mediated mRNA decay. As such, this alteration is interpreted as a disease-causing mutation.

NM_001042492.3(NF1):c.5516dup (p.Gln1841fs)

Gene: NF1 (neurofibromin 1; plus strand). Cytogenetic location: 17q11.2.
Variant type: Duplication.
Coding change: c.5516dup on transcript NM_001042492.3 (MANE Select); coding-DNA position 5516, one base duplicated (T; older notation c.5516dupT).
Protein change: p.Gln1841fs; shifts the reading frame from glutamine 1841.
Molecular consequence: frameshift variant.
Genome position (GRCh38, 1-based): chr17:31,327,746, T duplicated. VCF-style (leftmost placement, unchanged base first): chr17-31327745-A-AT. GRCh37 (hg19) VCF-style: chr17-29654763-A-AT.
Other names: c.5453dupT (NM_000267.3); c.5453dup, p.Gln1820Profs (NM_000267.4); short protein forms Q1841fs, Q1820fs.
Identifiers: ClinVar variation 2452221 (VCV002452221.2), dbSNP rs2508707543, ClinGen allele CA2580093318.